The following is an entry in ClinVar:

NM_000053.4(ATP7B):c.3741C>G (p.His1247Gln)

Gene: ATP7B (ATPase copper transporting beta; minus strand). Cytogenetic location: 13q14.3.
Variant type: single nucleotide variant.
Coding change: c.3741C>G on transcript NM_000053.4 (MANE Select); coding-DNA position 3741, C replaced by G.
Protein change: p.His1247Gln; replaces histidine 1247 with glutamine.
Molecular consequence: missense variant.
Genome position (GRCh38, 1-based): chr13:51,937,638, G>C on the plus strand (C>G on the coding strand, the complement: ATP7B is on the minus strand). VCF-style: chr13-51937638-G-C. GRCh37 (hg19) VCF-style: chr13-52511774-G-C.
Other names: p.His1247Gln; c.3120C>G, p.His1040Gln (NM_001005918.3); c.3408C>G, p.His1136Gln (NM_001243182.2); c.3507C>G, p.His1169Gln (NM_001330578.2); c.3489C>G, p.His1163Gln (NM_001330579.2); short protein forms H1247Q, H1163Q, H1169Q, H1040Q, H1136Q.
Identifiers: ClinVar variation 550125 (VCV000550125.25), dbSNP rs767464491, ClinGen allele CA6988575.

ClinVar aggregate classification (germline): Conflicting classifications of pathogenicity. Review status: criteria provided, conflicting classifications (1 of 4 stars). 14 submissions from 14 submitters: Pathogenic (3); Likely pathogenic (6); Uncertain significance (4). 1 of the submissions does not count toward it. Last evaluated 2026-01-30.

Conditions:
ATP7B-related disorder. Also called: ATP7B-related condition.
Wilson disease (WND). Also called: Wilson's disease. Identifiers: Orphanet 905, MedGen C0019202, MONDO:0010200, OMIM 277900. Disease mechanism: loss of function.

Allele frequency attached by ClinVar (database versions not stated): ExAC 0.00001; gnomAD exomes 0.00001; TOPMed 0.00001.
gnomAD v4.1: 10 of 1,614,140 alleles (0.00062%); highest among the groups gnomAD compares: East Asian, 0.0067%; no homozygotes.

Submissions (14):

Myriad Genetics, Inc.
Classification: Uncertain significance for Wilson disease. Last evaluated: 2026-01-30. Review status: criteria provided, single submitter. Criteria: Myriad Autosomal Dominant, Autosomal Recessive and X-Linked Classification Criteria (2023). Collection method: clinical testing. Allele origin: unknown.
Comment: NM_000053.3(ATP7B):c.3741C>G(H1247Q) is a missense variant classified as a variant of uncertain significance in the context of Wilson disease. H1247Q has been observed in cases with relevant disease (PMID: 24094725, 27022412, 31059521, 33640437). Relevant functional assessments of this variant are available in the literature (PMID: 40661833). H1247Q has been observed in referenced population frequency databases. In summary, there is insufficient evidence to classify NM_000053.3(ATP7B):c.3741C>G(H1247Q) as pathogenic or benign. Please note: this variant was assessed in the context of healthy population screening.

Labcorp Genetics (formerly Invitae), Labcorp
Classification: Pathogenic for Wilson disease. Last evaluated: 2026-01-17. Review status: criteria provided, single submitter. Criteria: Invitae Variant Classification Sherloc (09022015). Collection method: clinical testing. Allele origin: germline.
Comment: This sequence change replaces histidine, which is basic and polar, with glutamine, which is neutral and polar, at codon 1247 of the ATP7B protein (p.His1247Gln). This variant is present in population databases (rs767464491, gnomAD 0.006%). This missense change has been observed in individual(s) with Wilson disease (PMID: 31059521, 33640437). ClinVar contains an entry for this variant (Variation ID: 550125). Invitae Evidence Modeling of protein sequence and biophysical properties (such as structural, functional, and spatial information, amino acid conservation, physicochemical variation, residue mobility, and thermodynamic stability) indicates that this missense variant is not expected to disrupt ATP7B protein function with a negative predictive value of 80%. For these reasons, this variant has been classified as Pathogenic.

Genomic Medicine Center of Excellence, King Faisal Specialist Hospital and Research Centre
Classification: Likely pathogenic for Wilson disease. Last evaluated: 2025-09-10. Review status: criteria provided, single submitter. Criteria: ACMG Guidelines, 2015. Collection method: clinical testing. Allele origin: germline.

PreventionGenetics, part of Exact Sciences
Classification: Uncertain significance for ATP7B-related condition. Last evaluated: 2025-05-15. Review status: criteria provided, single submitter. Criteria: ACMG Guidelines, 2015. Collection method: clinical testing. Allele origin: germline.
Comment: The ATP7B c.3741C>G variant is predicted to result in the amino acid substitution p.His1247Gln. This variant has been reported in the compound heterozygous and homozygous state in individuals with clinical and biochemical features consistent with Wilson disease (Mukherjee et al. 2014. PubMed ID: 24094725; Dong et al. 2016. PubMed ID: 27022412; Singh et al. 2019. PubMed ID: 31059521; Collins et al. 2021. PubMed ID: 33640437). One patient who was homozygous for this variant was also homozygous for the c.174dupC variant (Singh et al. 2019. PubMed ID: 31059521). This variant is reported in 0.011% of alleles in individuals of East Asian descent in gnomAD. This variant has conflicting interpretations in the ClinVar database ranging from uncertain to pathogenic. At this time, the clinical significance of this variant is uncertain due to the absence of conclusive functional and genetic evidence.

All of Us Research Program, National Institutes of Health
Classification: Uncertain significance for Wilson disease. Last evaluated: 2024-08-30. Review status: criteria provided, single submitter. Criteria: ACMG Guidelines, 2015. Collection method: clinical testing. Allele origin: germline. Inheritance: Autosomal recessive inheritance. Observed: 3 variant alleles, 3 heterozygotes.
Comment: This missense variant replaces histidine with glutamine at codon 1247 of the ATP7B protein. Computational prediction is inconclusive regarding the impact of this variant on protein structure and function (internally defined REVEL score threshold 0.5 < inconclusive < 0.7, PMID: 27666373). To our knowledge, functional studies have not been reported for this variant. This variant has been reported in individuals affected with Wilson disease, including in the compound heterozygous state (PMID: 24094725, 27022412, 31059521, 33640437). This variant has been identified in 2/249572 chromosomes in the general population by the Genome Aggregation Database (gnomAD). The available evidence is insufficient to determine the role of this variant in disease conclusively. Therefore, this variant is classified as a Variant of Uncertain Significance.

This study involves interpretation of variants in research participants for the purpose of population health screening. Participant phenotype was not available at the time of variant classification. Additional details can be found in publication PMID: 35346344, PMCID: PMC8962531

Fulgent Genetics
Classification: Likely pathogenic for Wilson disease. Last evaluated: 2024-03-13. Review status: criteria provided, single submitter. Criteria: ACMG Guidelines, 2015. Collection method: clinical testing. Allele origin: germline.

Mayo Clinic Laboratories, Mayo Clinic
Classification: Uncertain significance. Last evaluated: 2024-02-14. Review status: criteria provided, single submitter. Criteria: ACMG Guidelines, 2015. Collection method: clinical testing. Allele origin: germline. Observed: 1 variant allele.
Comment: PM2_moderate, PM3

Revvity Omics, Revvity
Classification: Likely pathogenic for Wilson disease. Last evaluated: 2024-02-07. Review status: criteria provided, single submitter. Criteria: ACMG Guidelines, 2015. Collection method: clinical testing. Allele origin: germline.

Baylor Genetics
Classification: Likely pathogenic for Wilson disease. Last evaluated: 2023-09-26. Review status: criteria provided, single submitter. Criteria: ACMG Guidelines, 2015. Collection method: clinical testing. Allele origin: unknown.

Women's Health and Genetics/Laboratory Corporation of America, LabCorp
Classification: Pathogenic for Wilson disease. Last evaluated: 2021-09-17. Review status: criteria provided, single submitter. Criteria: LabCorp Variant Classification Summary - May 2015. Collection method: clinical testing. Allele origin: germline.
Comment: Variant summary: ATP7B c.3741C>G (p.His1247Gln) results in a non-conservative amino acid change located in the ATP binding domain of the encoded protein sequence. Four of five in-silico tools predict a damaging effect of the variant on protein function. Several computational tools predict a significant impact on normal splicing: two predict the variant creates a cryptic 3 prime acceptor site. However, these predictions have yet to be confirmed by functional studies. The variant allele was found at a frequency of 8e-06 in 249572 control chromosomes. c.3741C>G has been reported in the literature in multiple individuals affected with Wilson Disease (Mukherjee_2014, Dong_2016, Singh_2019, Collins_2021). These data indicate that the variant is very likely to be associated with disease. At least one publication reports experimental evidence evaluating an impact on protein function and showed that variant effect results in decreased serum ceruloplasmin in the patient (Singh_2019). Two clinical diagnostic laboratories have submitted clinical-significance assessments for this variant to ClinVar after 2014 without evidence for independent evaluation. One laboratory classified the variant as pathogenic, and one laboratory classified the variant as uncertain significance. Based on the evidence outlined above, the variant was classified as pathogenic.

Genome-Nilou Lab
Classification: Likely pathogenic for Wilson disease. Last evaluated: 2021-08-10. Review status: criteria provided, single submitter. Criteria: ACMG Guidelines, 2015. Collection method: clinical testing. Allele origin: germline. Affected: no.

Juno Genomics, Hangzhou Juno Genomics, Inc
Classification: Likely pathogenic for Wilson disease. Review status: criteria provided, single submitter. Criteria: ACMG Guidelines, 2015. Collection method: clinical testing. Allele origin: germline.
Comment: Absent from controls (or at extremely low frequency if recessive) in Genome Aggregation Database.;Multiple lines of computational evidence support a deleterious effect on the gene or gene product.;For recessive disorders, detected in trans with a pathogenic variant.

Neuberg Centre For Genomic Medicine, NCGM
Classification: Pathogenic for Wilson disease. Review status: criteria provided, single submitter. Criteria: ACMG Guidelines, 2015. Collection method: clinical testing. Allele origin: germline. Inheritance: Autosomal recessive inheritance. Affected: yes.
Comment: The missense c.3741C>G p.His1247Gln variant in ATP7B gene has not been reported in homozygous and compound heterozygous state in individuals affected with Wilson Disease Singh et al. 2019; Collins CJ et al. 2021. The p.His1247Gln variant has allele frequency 0.0008% in gnomAD Exomes and is novel not in any individuals in 1000 Genomes. Experimental evidence evaluating an impact on protein function and showed that variant effect results in decreased serum ceruloplasmin in the patient Singh et al. 2019.This variant has been reported to the ClinVar database as Uncertain Significance / Likely pathogenic / Pathogenic. The amino acid change p.His1247Gln in ATP7B is predicted as conserved by GERP++ and PhyloP across 100 vertebrates. The amino acid His at position 1247 is changed to a Gln changing protein sequence and it might alter its composition and physico-chemical properties. For these reasons, this variant has been classified as Variant of Uncertain Significance VUS.

Counsyl
Classification: Uncertain significance for Wilson disease. Last evaluated: 2017-01-03. Review status: no assertion criteria provided. Collection method: clinical testing. Allele origin: unknown. Not counted in ClinVar's aggregate classification.

Literature cited by the submitters: PubMed 24094725 (cited by 5 submitters); PubMed 27022412 (cited by 5 submitters); PubMed 31059521 (cited by 5 submitters); PubMed 33640437 (cited by 5 submitters); PubMed 40661833 (cited by Myriad Genetics, Inc.).